The following is an entry in ClinVar:

NM_001127222.2(CACNA1A):c.1214C>T (p.Ala405Val)

Gene: CACNA1A (calcium voltage-gated channel subunit alpha1 A; minus strand). Cytogenetic location: 19p13.13.
Variant type: single nucleotide variant.
Coding change: c.1214C>T on transcript NM_001127222.2 (MANE Select); coding-DNA position 1214, C replaced by T.
Protein change: p.Ala405Val; replaces alanine 405 with valine.
Molecular consequence: missense variant.
Genome position (GRCh38, 1-based): chr19:13,332,910, G>A on the plus strand (C>T on the coding strand, the complement: CACNA1A is on the minus strand). VCF-style: chr19-13332910-G-A. GRCh37 (hg19) VCF-style: chr19-13443724-G-A.
Other names: c.1214C>T, p.Ala405Val (NM_000068.4, NM_001127221.2, NM_001174080.2 and 1 more transcripts); short protein forms A405V.
Identifiers: ClinVar variation 3602802 (VCV003602802.2).
Genomic context (GRCh38, chr19:13,332,910, plus strand): 5'-GTGGGTTTAGAGCAGTTACCATCAAAGGGATGCCTCTGCTCCCCGTCAGTTTCATCCTCG[G>A]CGAGGATCACCTCTTCTGAAGAGGAAGAGCACAGAGTTAAGCTCCTGCATTTGGAGGATG-3'
Protein context (NP_001120694.1, residues 395-415): WISKAEEVIL[Ala405Val]EDETDGEQRH

ClinVar aggregate classification (germline): Uncertain significance (1 of 4 stars; one submission).

gnomAD v4.1: 2 of 1,612,148 alleles (0.00012%); highest among the groups gnomAD compares: African/African-American, 0.0027%; no homozygotes.

Submission:

GeneDx
Classification: Uncertain significance. Last evaluated: 2025-05-09. Review status: criteria provided, single submitter. Criteria: GeneDx Variant Classification Process June 2021. Collection method: clinical testing. Allele origin: germline.
Comment: Not observed at significant frequency in large population cohorts (gnomAD); In silico analysis supports that this missense variant has a deleterious effect on protein structure/function; Has not been previously published as pathogenic or benign to our knowledge